The following is an entry in ClinVar:

ClinVar aggregate classification (germline): Uncertain significance. Review status: criteria provided, multiple submitters, no conflicts (2 of 4 stars). 2 submissions from 2 submitters: Uncertain significance (2). Last evaluated 2023-05-22.

Allele frequency attached by ClinVar (database versions not stated): ExAC 0.00001; gnomAD 0.00002; gnomAD exomes 0.00002.
gnomAD v4.1: 25 of 1,209,032 alleles (0.0021%); highest among the groups gnomAD compares: Non-Finnish European, 0.0025%; no homozygotes.

Submissions (2):

Labcorp Genetics (formerly Invitae), Labcorp
Classification: Uncertain significance. Last evaluated: 2023-05-22. Review status: criteria provided, single submitter. Criteria: Invitae Variant Classification Sherloc (09022015). Collection method: clinical testing. Allele origin: germline.
Comment: This sequence change replaces histidine, which is basic and polar, with tyrosine, which is neutral and polar, at codon 98 of the TSR2 protein (p.His98Tyr). This variant is present in population databases (rs750227646, gnomAD 0.004%). In summary, the available evidence is currently insufficient to determine the role of this variant in disease. Therefore, it has been classified as a Variant of Uncertain Significance. Algorithms developed to predict the effect of missense changes on protein structure and function output the following: SIFT: "Not Available"; PolyPhen-2: "Benign"; Align-GVGD: "Not Available". The tyrosine amino acid residue is found in multiple mammalian species, which suggests that this missense change does not adversely affect protein function. This variant has not been reported in the literature in individuals affected with TSR2-related conditions.

Ambry Genetics
Classification: Uncertain significance. Last evaluated: 2023-05-09. Review status: criteria provided, single submitter. Criteria: Ambry Variant Classification Scheme 2023. Collection method: clinical testing. Allele origin: germline.

NM_058163.3(TSR2):c.292C>T (p.His98Tyr)

Gene: TSR2 (TSR2 ribosome maturation factor; plus strand). Cytogenetic location: Xp11.22.
Variant type: single nucleotide variant.
Coding change: c.292C>T on transcript NM_058163.3 (MANE Select); coding-DNA position 292, C replaced by T.
Protein change: p.His98Tyr; replaces histidine 98 with tyrosine.
Molecular consequence: missense variant.
Genome position (GRCh38, 1-based): chrX:54,444,035, C>T. VCF-style: chrX-54444035-C-T. GRCh37 (hg19) VCF-style: chrX-54470468-C-T.
Other names: c.283C>T, p.His95Tyr (NM_001346789.2); c.7C>T, p.His3Tyr (NM_001346790.2, NM_001346791.2, NM_001346792.2); short protein forms H95Y, H98Y, H3Y.
Identifiers: ClinVar variation 2521463 (VCV002521463.5), dbSNP rs750227646, ClinGen allele CA10424833.
Genomic context (GRCh38, chrX:54,444,035, plus strand): 5'-AAAATCCAAACTGGTTGAATATTTTCTTGGTAGGTGAGCCAGCAACTGCAGACCATGTTC[C>T]ACCACTTCCAGAGGGGTGATGGGGCTGCTCTGAGGGAGATGGCCTCCTGCATCACTCAGA-3'
Protein context (NP_477511.1, residues 88-108): QVSQQLQTMF[His98Tyr]HFQRGDGAAL